The following is an entry in ClinVar:

NM_018668.5(VPS33B):c.1594C>T (p.Arg532Ter)

Gene: VPS33B (VPS33B late endosome and lysosome associated; minus strand). Cytogenetic location: 15q26.1.
Variant type: single nucleotide variant.
Coding change: c.1594C>T on transcript NM_018668.5 (MANE Select); coding-DNA position 1594, C replaced by T.
Protein change: p.Arg532Ter; replaces arginine 532 with a stop codon.
Molecular consequence: nonsense.
Genome position (GRCh38, 1-based): chr15:90,999,963, G>A on the plus strand (C>T on the coding strand, the complement: VPS33B is on the minus strand). VCF-style: chr15-90999963-G-A. GRCh37 (hg19) VCF-style: chr15-91543193-G-A.
Other names: c.1513C>T, p.Arg505Ter (NM_001289148.1); c.1321C>T, p.Arg441Ter (NM_001289149.1); short protein forms R532*, R441*, R505*.
Identifiers: ClinVar variation 2201 (VCV000002201.4), dbSNP rs121434383, ClinGen allele CA115401.

ClinVar aggregate classification (germline): Pathogenic. Review status: criteria provided, single submitter (1 of 4 stars). 2 submissions from 2 submitters: Pathogenic (1). 1 of the submissions does not count toward it. Last evaluated 2025-08-18.

Conditions:
Arthrogryposis, renal dysfunction, and cholestasis 1 (ARCS1). Identifiers: Orphanet 2697, MedGen C1859722, MONDO:0008822, OMIM 208085.

gnomAD v4.1: 3 of 1,614,148 alleles (0.00019%); highest among the groups gnomAD compares: South Asian, 0.0022%; no homozygotes.

Submissions (2):

Labcorp Genetics (formerly Invitae), Labcorp
Classification: Pathogenic. Last evaluated: 2025-08-18. Review status: criteria provided, single submitter. Criteria: Invitae Variant Classification Sherloc (09022015). Collection method: clinical testing. Allele origin: germline.
Comment: This sequence change creates a premature translational stop signal (p.Arg532*) in the VPS33B gene. It is expected to result in an absent or disrupted protein product. Loss-of-function variants in VPS33B are known to be pathogenic (PMID: 15052268, 16896922). This variant is not present in population databases (gnomAD no frequency). This premature translational stop signal has been observed in individual(s) with arthrogryposis–renal dysfunction–cholestasis syndrome. (PMID: 15052268). This variant is also known as c.1593C>T (R532X). ClinVar contains an entry for this variant (Variation ID: 2201). Algorithms developed to predict the effect of sequence changes on RNA splicing suggest that this variant may disrupt the consensus splice site. For these reasons, this variant has been classified as Pathogenic.

OMIM
Classification: Pathogenic for ARTHROGRYPOSIS, RENAL DYSFUNCTION, AND CHOLESTASIS 1. Last evaluated: 2004-04-01. Review status: no assertion criteria provided. Collection method: literature only. Allele origin: germline. Not counted in ClinVar's aggregate classification.

Literature cited by the submitters: PubMed 15052268 (cited by Labcorp Genetics (formerly Invitae), Labcorp and OMIM); PubMed 16896922 (cited by Labcorp Genetics (formerly Invitae), Labcorp).